The following is an entry in ClinVar:

NM_002693.3(POLG):c.1764C>T (p.Gly588=)

Gene: POLG (DNA polymerase gamma, catalytic subunit; minus strand). Cytogenetic location: 15q26.1.
Variant type: single nucleotide variant.
Coding change: c.1764C>T on transcript NM_002693.3 (MANE Select); coding-DNA position 1764, C replaced by T.
Protein change: p.Gly588=; no amino-acid change (glycine 588 retained).
Molecular consequence: synonymous variant.
Genome position (GRCh38, 1-based): chr15:89,325,635, G>A on the plus strand (C>T on the coding strand, the complement: POLG is on the minus strand). VCF-style: chr15-89325635-G-A. GRCh37 (hg19) VCF-style: chr15-89868866-G-A.
Other names: c.1764C>T, p.Gly588= (NM_001126131.2).
Identifiers: ClinVar variation 380981 (VCV000380981.16), dbSNP rs753839110, ClinGen allele CA7724691.
Genomic context (GRCh38, chr15:89,325,635, plus strand): 5'-ATCCCAGGTAAGTGCCATGAGTTTAGGTGTGACCCGCATCTGCAGGCTGAGGAGGCTGGG[G>A]CCCGGGGTCCATGCAGGGTCGTCTAGCCGGGGGCAGAGCTTCCGGTACCATCTACGTCCC-3'
Protein context (NP_002684.1, residues 578-598): PRLDDPAWTP[Gly588=]PSLLSLQMRV

ClinVar aggregate classification (germline): Likely benign. Review status: criteria provided, multiple submitters, no conflicts (2 of 4 stars). 4 submissions from 4 submitters: Likely benign (3). 1 of the submissions does not count toward it. Last evaluated 2025-08-20.

Conditions:
POLG-related disorder. Also called: POLG-related condition; POLG-Related Disorders; POLG-Related Spectrum Disorders. Identifiers: MedGen C4763519.
Progressive sclerosing poliodystrophy (MTDPS4A). Also called: ALPERS PROGRESSIVE INFANTILE POLIODYSTROPHY; NEURONAL DEGENERATION OF CHILDHOOD WITH LIVER DISEASE, PROGRESSIVE; Alpers-Huttenlocher Syndrome (AHS); Alpers Syndrome; Mitochondrial DNA Depletion Syndrome 4A; ALPERS DIFFUSE DEGENERATION OF CEREBRAL GRAY MATTER WITH HEPATIC CIRRHOSIS. Identifiers: Orphanet 726, MedGen C0205710, MONDO:0008758, OMIM 203700.

Allele frequency attached by ClinVar (database versions not stated): TOPMed 0.00001; gnomAD exomes 0.00002 and 0.00008; ExAC 0.00008.
gnomAD v4.1: 34 of 1,612,784 alleles (0.0021%); highest among the groups gnomAD compares: South Asian, 0.027%; no homozygotes.

Submissions (4):

Labcorp Genetics (formerly Invitae), Labcorp
Classification: Likely benign for Progressive sclerosing poliodystrophy. Last evaluated: 2025-08-20. Review status: criteria provided, single submitter. Criteria: Invitae Variant Classification Sherloc (09022015). Collection method: clinical testing. Allele origin: germline.

Women's Health and Genetics/Laboratory Corporation of America, LabCorp
Classification: Likely benign. Last evaluated: 2024-09-14. Review status: criteria provided, single submitter. Criteria: LabCorp Variant Classification Summary - May 2015. Collection method: clinical testing. Allele origin: germline.

GeneDx
Classification: Likely benign. Last evaluated: 2019-03-26. Review status: criteria provided, single submitter. Criteria: GeneDx Variant Classification Process June 2021. Collection method: clinical testing. Allele origin: germline. Affected: yes.

PreventionGenetics, part of Exact Sciences
Classification: Likely benign for POLG-related condition. Last evaluated: 2023-02-15. Review status: no assertion criteria provided. Collection method: clinical testing. Allele origin: germline. Not counted in ClinVar's aggregate classification.
Comment: This variant is classified as likely benign based on ACMG/AMP sequence variant interpretation guidelines (Richards et al. 2015 PMID: 25741868, with internal and published modifications).